The following is an entry in ClinVar:

ClinVar aggregate classification (germline): Likely benign (0 of 4 stars; one submission).

Conditions:
FAT1-related disorder. Also called: FAT1-related condition.

Allele frequency attached by ClinVar (database versions not stated): gnomAD exomes below 0.00001; TOPMed below 0.00001; ExAC 0.00001; gnomAD 0.00002; 1000 Genomes Project 0.00020; 1000 Genomes Project 30x 0.00031.
gnomAD v4.1: 10 of 1,613,974 alleles (0.00062%); highest among the groups gnomAD compares: East Asian, 0.0089%; no homozygotes.

Submission:

PreventionGenetics, part of Exact Sciences
Classification: Likely benign for FAT1-related condition. Last evaluated: 2021-08-25. Review status: no assertion criteria provided. Collection method: clinical testing. Allele origin: germline.
Comment: This variant is classified as likely benign based on ACMG/AMP sequence variant interpretation guidelines (Richards et al. 2015 PMID: 25741868, with internal and published modifications).

NM_005245.4(FAT1):c.13351T>C (p.Leu4451=)

Genes: FAT1 (FAT atypical cadherin 1; minus strand), LOC126807253 (BRD4-independent group 4 enhancer GRCh37_chr4:187509297-187510496; plus strand). Cytogenetic location: 4q35.2.
Variant type: single nucleotide variant.
Coding change: c.13351T>C on transcript NM_005245.4 (MANE Select); coding-DNA position 13351, T replaced by C.
Protein change: p.Leu4451=; no amino-acid change (leucine 4451 retained).
Molecular consequence: synonymous variant.
Genome position (GRCh38, 1-based): chr4:186,589,008, A>G on the plus strand (T>C on the coding strand, the complement: FAT1 is on the minus strand). VCF-style: chr4-186589008-A-G. GRCh37 (hg19) VCF-style: chr4-187510162-A-G.
Identifiers: ClinVar variation 3060804 (VCV003060804.2), dbSNP rs564857943, ClinGen allele CA3164553.
Genomic context (GRCh38, chr4:186,589,008, plus strand): 5'-CGGCAGGCATGTCTCTAGGAGGGTGGATGGATTCAAACTGATTGCTGAATTCGGGCGGTA[A>G]CGGTGGTAGCTCATCAGCTGCGGGGAAGTCTTCTGGGGGTGGAGGAAAATCACTTTCGAT-3'
Protein context (NP_005236.2, residues 4441-4461): DFPAADELPP[Leu4451=]PPEFSNQFES